The following is an entry in ClinVar:

ClinVar aggregate classification (germline): Uncertain significance. Review status: criteria provided, single submitter (1 of 4 stars). 2 submissions from 2 submitters: Uncertain significance (1). 1 of the submissions does not count toward it. Last evaluated 2025-10-23.

Conditions:
PTPRU-related disorder. Also called: PTPRU-related condition.

Allele frequency attached by ClinVar (database versions not stated): ExAC 0.00070; gnomAD exomes 0.00019; ESP Exome Variant Server 0.00208; gnomAD 0.00216; TOPMed 0.00260; 1000 Genomes Project 0.00280; 1000 Genomes Project 30x 0.00281.
gnomAD v4.1: 605 of 1,614,200 alleles (0.037%); highest among the groups gnomAD compares: African/African-American, 0.76%; 3 homozygotes.

Submissions (2):

Ambry Genetics
Classification: Uncertain significance. Last evaluated: 2025-10-23. Review status: criteria provided, single submitter. Criteria: Ambry Variant Classification Scheme 2023. Collection method: clinical testing. Allele origin: germline.

PreventionGenetics, part of Exact Sciences
Classification: Benign for PTPRU-related condition. Last evaluated: 2019-09-18. Review status: no assertion criteria provided. Collection method: clinical testing. Allele origin: germline. Not counted in ClinVar's aggregate classification.
Comment: This variant is classified as benign based on ACMG/AMP sequence variant interpretation guidelines (Richards et al. 2015 PMID: 25741868, with internal and published modifications).

NM_133178.4(PTPRU):c.2408A>G (p.Gln803Arg)

Gene: PTPRU (protein tyrosine phosphatase receptor type U; plus strand). Cytogenetic location: 1p35.3.
Variant type: single nucleotide variant.
Coding change: c.2408A>G on transcript NM_133178.4 (MANE Select); coding-DNA position 2408, A replaced by G.
Protein change: p.Gln803Arg; replaces glutamine 803 with arginine.
Molecular consequence: missense variant.
Genome position (GRCh38, 1-based): chr1:29,291,958, A>G. VCF-style: chr1-29291958-A-G. GRCh37 (hg19) VCF-style: chr1-29618470-A-G.
Other names: c.2408A>G, p.Gln803Arg (NM_001195001.2, NM_133177.4); c.2438A>G, p.Gln813Arg (NM_005704.5); short protein forms Q803R, Q813R.
Identifiers: ClinVar variation 3049485 (VCV003049485.3), dbSNP rs150111261, ClinGen allele CA726654.